The following is an entry in ClinVar:

NM_006939.4(SOS2):c.1084A>G (p.Ser362Gly)

Gene: SOS2 (SOS Ras/Rho guanine nucleotide exchange factor 2; minus strand). Cytogenetic location: 14q21.3.
Variant type: single nucleotide variant.
Coding change: c.1084A>G on transcript NM_006939.4 (MANE Select); coding-DNA position 1084, A replaced by G.
Protein change: p.Ser362Gly; replaces serine 362 with glycine.
Molecular consequence: missense variant.
Genome position (GRCh38, 1-based): chr14:50,161,594, T>C on the plus strand (A>G on the coding strand, the complement: SOS2 is on the minus strand). VCF-style: chr14-50161594-T-C. GRCh37 (hg19) VCF-style: chr14-50628312-T-C.
Other names: c.985A>G, p.Ser329Gly (NM_001411020.1); short protein forms S362G, S329G.
Identifiers: ClinVar variation 2856887 (VCV002856887.3), dbSNP rs2503002602, ClinGen allele CA389646614.

ClinVar aggregate classification (germline): Uncertain significance (1 of 4 stars; one submission).

Conditions:
Noonan syndrome 9 (NS9). Identifiers: Orphanet 648, MedGen C4225282, MONDO:0014691, OMIM 616559.

Allele frequency attached by ClinVar (database versions not stated): gnomAD exomes below 0.00001.
gnomAD v4.1: 1 of 1,612,070 alleles (0.000062%); highest among the groups gnomAD compares: South Asian, 0.0011%; no homozygotes.

Submission:

Labcorp Genetics (formerly Invitae), Labcorp
Classification: Uncertain significance for Noonan syndrome 9. Last evaluated: 2023-04-16. Review status: criteria provided, single submitter. Criteria: Invitae Variant Classification Sherloc (09022015). Collection method: clinical testing. Allele origin: germline.
Comment: In summary, the available evidence is currently insufficient to determine the role of this variant in disease. Therefore, it has been classified as a Variant of Uncertain Significance. Advanced modeling of protein sequence and biophysical properties (such as structural, functional, and spatial information, amino acid conservation, physicochemical variation, residue mobility, and thermodynamic stability) performed at Invitae indicates that this missense variant is expected to disrupt SOS2 protein function. This variant has not been reported in the literature in individuals affected with SOS2-related conditions. This variant is not present in population databases (gnomAD no frequency). This sequence change replaces serine, which is neutral and polar, with glycine, which is neutral and non-polar, at codon 362 of the SOS2 protein (p.Ser362Gly).